The following is an entry in ClinVar:

ClinVar aggregate classification (germline): Uncertain significance (0 of 4 stars; one submission).

Conditions:
IGSF10-related disorder. Also called: IGSF10-related condition.

gnomAD v4.1: 2 of 1,614,180 alleles (0.00012%); highest among the groups gnomAD compares: Admixed American, 0.0017%; no homozygotes.

Submission:

PreventionGenetics, part of Exact Sciences
Classification: Uncertain significance for IGSF10-related condition. Last evaluated: 2024-07-12. Review status: no assertion criteria provided. Collection method: clinical testing. Allele origin: germline.
Comment: The IGSF10 c.6539A>G variant is predicted to result in the amino acid substitution p.Asn2180Ser. To our knowledge, this variant has not been reported in the literature. This variant is reported in 0.0029% of alleles in individuals of Latino descent in gnomAD. At this time, the clinical significance of this variant is uncertain due to the absence of conclusive functional and genetic evidence.

NM_178822.5(IGSF10):c.6539A>G (p.Asn2180Ser)

Gene: IGSF10 (immunoglobulin superfamily member 10; minus strand). Cytogenetic location: 3q25.1.
Variant type: single nucleotide variant.
Coding change: c.6539A>G on transcript NM_178822.5 (MANE Select); coding-DNA position 6539, A replaced by G.
Protein change: p.Asn2180Ser; replaces asparagine 2180 with serine.
Molecular consequence: missense variant.
Genome position (GRCh38, 1-based): chr3:151,438,022, T>C on the plus strand (A>G on the coding strand, the complement: IGSF10 is on the minus strand). VCF-style: chr3-151438022-T-C. GRCh37 (hg19) VCF-style: chr3-151155810-T-C.
Other names: c.476A>G, p.Asn159Ser (NM_001178145.3, NM_001178146.3); c.6539A>G, p.Asn2180Ser (NM_001385060.1, NM_001385061.1, NM_001385062.1 and 1 more transcripts); short protein forms N159S, N2180S.
Identifiers: ClinVar variation 3347766 (VCV003347766.1).